The following is an entry in ClinVar:

ClinVar aggregate classification (germline): Uncertain significance (1 of 4 stars; one submission).

Conditions:
Meckel-Gruber syndrome. Also called: DYSENCEPHALIA SPLANCHNOCYSTICA; GRUBER SYNDROME; Dysencephalia splachnocystica. Identifiers: Orphanet 564, MedGen C0265215, MONDO:0018921.
Joubert syndrome. Also called: CEREBELLOPARENCHYMAL DISORDER IV; JOUBERT-BOLTSHAUSER SYNDROME; Familial aplasia of the vermis. Identifiers: Orphanet 475, MedGen C5979921, MONDO:0018772.

Allele frequency attached by ClinVar (database versions not stated): TOPMed below 0.00001; gnomAD 0.00001; gnomAD exomes 0.00001 and 0.00002; ExAC 0.00002.
gnomAD v4.1: 11 of 1,597,578 alleles (0.00069%); highest among the groups gnomAD compares: Non-Finnish European, 0.00086%; no homozygotes.

Submission:

Labcorp Genetics (formerly Invitae), Labcorp
Classification: Uncertain significance for Joubert syndrome; Meckel-Gruber syndrome. Last evaluated: 2023-06-06. Review status: criteria provided, single submitter. Criteria: Invitae Variant Classification Sherloc (09022015). Collection method: clinical testing. Allele origin: germline.
Comment: This sequence change replaces leucine, which is neutral and non-polar, with serine, which is neutral and polar, at codon 983 of the TMEM67 protein (p.Leu983Ser). This variant is present in population databases (rs775933592, gnomAD 0.004%). This variant has not been reported in the literature in individuals affected with TMEM67-related conditions. ClinVar contains an entry for this variant (Variation ID: 1469222). Advanced modeling of protein sequence and biophysical properties (such as structural, functional, and spatial information, amino acid conservation, physicochemical variation, residue mobility, and thermodynamic stability) performed at Invitae indicates that this missense variant is expected to disrupt TMEM67 protein function. In summary, the available evidence is currently insufficient to determine the role of this variant in disease. Therefore, it has been classified as a Variant of Uncertain Significance.

NM_153704.6(TMEM67):c.2948T>C (p.Leu983Ser)

Gene: TMEM67 (transmembrane protein 67; plus strand). Cytogenetic location: 8q22.1.
Variant type: single nucleotide variant.
Coding change: c.2948T>C on transcript NM_153704.6 (MANE Select); coding-DNA position 2948, T replaced by C.
Protein change: p.Leu983Ser; replaces leucine 983 with serine.
Molecular consequence: missense variant. On other transcripts: non-coding transcript variant (1).
Genome position (GRCh38, 1-based): chr8:93,816,412, T>C. VCF-style: chr8-93816412-T-C. GRCh37 (hg19) VCF-style: chr8-94828640-T-C.
Other names: c.2705T>C, p.Leu902Ser (NM_001142301.1); short protein forms L902S, L983S.
Identifiers: ClinVar variation 1469222 (VCV001469222.8), dbSNP rs775933592, ClinGen allele CA4808440.